The following is an entry in ClinVar:

ClinVar aggregate classification (germline): Uncertain significance (1 of 4 stars; one submission).

Conditions:
Inborn glycerol kinase deficiency. Also called: GK DEFICIENCY; GK1 DEFICIENCY; Deficiency of glycerol kinase; Hyperglycerolemia. Identifiers: Orphanet 308993, Orphanet 408, MedGen C0268418, MONDO:0010613, OMIM 307030, HP:0040302.

Submission:

Pittsburgh Clinical Genomics Laboratory, University of Pittsburgh Medical Center
Classification: Uncertain significance for Inborn glycerol kinase deficiency. Last evaluated: 2023-04-14. Review status: criteria provided, single submitter. Criteria: ACMG Guidelines, 2015. Collection method: clinical testing. Allele origin: germline. Inheritance: X-linked recessive inheritance. Affected: yes.
Comment: This sequence variant is a single nucleotide substitution (C>T) at coding position 1406 of the GK gene that results in an alanine to valine amino acid change at residue 469 of the glycerol kise protein. This novel variant is absent from an online database of clinically annotated variants (ClinVar) and from the gnomAD population dataset (0 of approximately 182,500 alleles). To our knowledge, this variant has not been observed in an individual affected by a GK-related disorder in the published literature. Likewise, studies testing the functiol consequence have not been published, to our knowledge. However, multiple bioinformatic tools predict that this alanine to valine amino acid change would be damaging, and the alanine residue at this position is strongly conserved across the vertebrate species examined. At this time, there is insufficient evidence to determine if this variant is pathogenic or benign. Therefore, we consider this a variant of uncertain significance. ACMG Criteria: PM2, PP3

NM_001205019.2(GK):c.1406C>T (p.Ala469Val)

Gene: GK (glycerol kinase; plus strand). Cytogenetic location: Xp21.2.
Variant type: single nucleotide variant.
Coding change: c.1406C>T on transcript NM_001205019.2 (MANE Select); coding-DNA position 1406, C replaced by T.
Protein change: p.Ala469Val; replaces alanine 469 with valine.
Molecular consequence: missense variant. On other transcripts: non-coding transcript variant (7).
Genome position (GRCh38, 1-based): chrX:30,720,900, C>T. VCF-style: chrX-30720900-C-T. GRCh37 (hg19) VCF-style: chrX-30739017-C-T.
Other names: c.1388C>T, p.Ala463Val (NM_000167.6, NM_001128127.3); c.1472C>T, p.Ala491Val (NM_001399987.1); c.1406C>T, p.Ala469Val (NM_203391.4); short protein forms A463V, A469V, A491V.
Identifiers: ClinVar variation 3376334 (VCV003376334.1).
Genomic context (GRCh38, chrX:30,720,900, plus strand): 5'-CTCTCTCCTCAGTGAAGCCCTCAATGCCCGAAACCACTGCACTGGGTGCGGCTATGGCGG[C>T]AGGGGCTGCAGAAGGAGTCGGCGTATGGAGTCTCGAACCCGAGGATTTGTCTGCCGTCAC-3'
Protein context (NP_001191948.1, residues 459-479): ETTALGAAMA[Ala469Val]GAAEGVGVWS